The following is an entry in ClinVar:

ClinVar aggregate classification (germline): Likely benign (1 of 4 stars; one submission).

Allele frequency attached by ClinVar (database versions not stated): 1000 Genomes Project 0.00479; gnomAD 0.00539; 1000 Genomes Project 30x 0.00562; TOPMed 0.00569.
gnomAD v4.1: 764 of 152,250 alleles (0.5%); highest among the groups gnomAD compares: African/African-American, 1.7%; 8 homozygotes.

Submission:

GeneDx
Classification: Likely benign. Last evaluated: 2018-06-19. Review status: criteria provided, single submitter. Criteria: GeneDx Variant Classification (06012015). Collection method: clinical testing. Allele origin: germline. Affected: yes.
Comment: This variant is considered likely benign or benign based on one or more of the following criteria: it is a conservative change, it occurs at a poorly conserved position in the protein, it is predicted to be benign by multiple in silico algorithms, and/or has population frequency not consistent with disease.

NM_000548.5(TSC2):c.2837+286T>G

Gene: TSC2 (TSC complex subunit 2; plus strand). Cytogenetic location: 16p13.3.
Variant type: single nucleotide variant.
Coding change: c.2837+286T>G on transcript NM_000548.5 (MANE Select); 286 bases into the intron after coding-DNA position 2837, T replaced by G.
Molecular consequence: intron variant.
Genome position (GRCh38, 1-based): chr16:2,076,871, T>G. VCF-style: chr16-2076871-T-G. GRCh37 (hg19) VCF-style: chr16-2126872-T-G.
Other names: c.2837+286T>G (NM_001114382.3, NM_021055.3, NM_001370405.1 and 3 more transcripts); c.2726+286T>G (NM_001318827.2); c.2237+286T>G (NM_001318831.2); c.2690+286T>G (NM_001318829.2); c.2870+286T>G (NM_001318832.2).
Identifiers: ClinVar variation 671853 (VCV000671853.1), dbSNP rs189502160, ClinGen allele CA276742363.
Genomic context (GRCh38, chr16:2,076,871, plus strand): 5'-TGTGGAATTGGGGGTTGGGGTGCAAGCTTTAGGCGCCTGAGCCCCTCGAAGGAGCCGGCC[T>G]TGTCTGGGGCTGCCCCCTCCTCTGCAGCCCCCAGCCTGCTGCTAGCCGGGGACTCTGCTT-3'